The following is an entry in ClinVar:

ClinVar aggregate classification (germline): Benign/Likely benign. Review status: criteria provided, multiple submitters, no conflicts (2 of 4 stars). 4 submissions from 4 submitters: Benign (1); Likely benign (3). Last evaluated 2026-01-12.

Conditions:
BICD2-related disorder. Also called: BICD2-related condition.
Inborn genetic diseases. Identifiers: MedGen C0950123, MeSH D030342.
Autosomal dominant childhood-onset proximal spinal muscular atrophy with contractures (SMALED2A). Also called: SPINAL MUSCULAR ATROPHY, LOWER EXTREMITY-PREDOMINANT, 2A, CHILDHOOD ONSET, AUTOSOMAL DOMINANT; Spinal muscular atrophy, lower extremity-predominant, 2A, autosomal dominant. Identifiers: Orphanet 363447, Orphanet 363454, MedGen C4747715, MONDO:0014121, OMIM 615290.

Allele frequency attached by ClinVar (database versions not stated): gnomAD 0.00007 and 0.00008; gnomAD exomes 0.00007 and 0.00016; TOPMed 0.00012; ESP Exome Variant Server 0.00015; ExAC 0.00017.

Submissions (4):

PreventionGenetics, part of Exact Sciences
Classification: Likely benign for BICD2-related condition. Last evaluated: 2026-01-12. Review status: criteria provided, single submitter. Criteria: ACMG Guidelines, 2015. Collection method: clinical testing. Allele origin: germline.
Comment: This variant is classified as likely benign based on ACMG/AMP sequence variant interpretation guidelines (Richards et al. 2015 PMID: 25741868, with internal and published modifications).

Labcorp Genetics (formerly Invitae), Labcorp
Classification: Benign for Autosomal dominant childhood-onset proximal spinal muscular atrophy with contractures. Last evaluated: 2025-12-08. Review status: criteria provided, single submitter. Criteria: Invitae Variant Classification Sherloc (09022015). Collection method: clinical testing. Allele origin: germline.

CeGaT Center for Human Genetics Tuebingen
Classification: Likely benign. Last evaluated: 2022-10-01. Review status: criteria provided, single submitter. Criteria: CeGaT Center For Human Genetics Tuebingen Variant Classification Criteria Version 2. Collection method: clinical testing. Allele origin: germline. Affected: yes. Observed: 1 variant allele.
Comment: BICD2: BP4

Ambry Genetics
Classification: Likely benign for Inborn genetic diseases. Last evaluated: 2022-03-21. Review status: criteria provided, single submitter. Criteria: Ambry Variant Classification Scheme 2023. Collection method: clinical testing. Allele origin: germline.

NM_001003800.2(BICD2):c.1370G>A (p.Arg457His)

Gene: BICD2 (BICD cargo adaptor 2; minus strand). Cytogenetic location: 9q22.31.
Variant type: single nucleotide variant.
Coding change: c.1370G>A on transcript NM_001003800.2 (MANE Select); coding-DNA position 1370, G replaced by A.
Protein change: p.Arg457His; replaces arginine 457 with histidine.
Molecular consequence: missense variant.
Genome position (GRCh38, 1-based): chr9:92,719,275, C>T on the plus strand (G>A on the coding strand, the complement: BICD2 is on the minus strand). VCF-style: chr9-92719275-C-T. GRCh37 (hg19) VCF-style: chr9-95481557-C-T.
Other names: c.1370G>A, p.Arg457His (NM_015250.4); short protein forms R457H.
Identifiers: ClinVar variation 1671543 (VCV001671543.35), dbSNP rs370118099, ClinGen allele CA5126575.